The following is an entry in ClinVar:

NM_002184.4(IL6ST):c.1002T>G (p.Tyr334Ter)

Gene: IL6ST (interleukin 6 cytokine family signal transducer; minus strand). Cytogenetic location: 5q11.2.
Variant type: single nucleotide variant.
Coding change: c.1002T>G on transcript NM_002184.4 (MANE Select); coding-DNA position 1002, T replaced by G.
Protein change: p.Tyr334Ter; replaces tyrosine 334 with a stop codon.
Molecular consequence: nonsense. On other transcripts: non-coding transcript variant (2), intron variant (2).
Genome position (GRCh38, 1-based): chr5:55,957,263, A>C on the plus strand (T>G on the coding strand, the complement: IL6ST is on the minus strand). VCF-style: chr5-55957263-A-C. GRCh37 (hg19) VCF-style: chr5-55253091-A-C.
Other names: c.1002T>G, p.Tyr334Ter (NM_001190981.2, NM_001364275.2); c.792T>G, p.Tyr264Ter (NM_001364276.2); c.135T>G, p.Tyr45Ter (NM_001364277.2); c.99T>G, p.Tyr33Ter (NM_001364278.2); c.61-1028T>G (NM_001364279.2); c.974-1028T>G (NM_175767.3); short protein forms Y264*, Y45*, Y334*, Y33*.
Identifiers: ClinVar variation 3728243 (VCV003728243.2).

ClinVar aggregate classification (germline): Pathogenic (1 of 4 stars; one submission).

Submission:

Labcorp Genetics (formerly Invitae), Labcorp
Classification: Pathogenic. Last evaluated: 2025-01-13. Review status: criteria provided, single submitter. Criteria: Invitae Variant Classification Sherloc (09022015). Collection method: clinical testing. Allele origin: germline.
Comment: This sequence change creates a premature translational stop signal (p.Tyr334*) in the IL6ST gene. It is expected to result in an absent or disrupted protein product. Loss-of-function variants in IL6ST are known to be pathogenic (PMID: 31914175). This variant is not present in population databases (gnomAD no frequency). This variant has not been reported in the literature in individuals affected with IL6ST-related conditions. For these reasons, this variant has been classified as Pathogenic.

Literature cited by the submitters: PubMed 31914175.